The following is an entry in ClinVar:

ClinVar aggregate classification (germline): Uncertain significance (1 of 4 stars; one submission).

Submission:

Labcorp Genetics (formerly Invitae), Labcorp
Classification: Uncertain significance. Last evaluated: 2021-12-24. Review status: criteria provided, single submitter. Criteria: Invitae Variant Classification Sherloc (09022015). Collection method: clinical testing. Allele origin: germline.
Comment: This sequence change replaces leucine, which is neutral and non-polar, with methionine, which is neutral and non-polar, at codon 383 of the ANXA11 protein (p.Leu383Met). This variant is not present in population databases (gnomAD no frequency). In summary, the available evidence is currently insufficient to determine the role of this variant in disease. Therefore, it has been classified as a Variant of Uncertain Significance. Algorithms developed to predict the effect of missense changes on protein structure and function are either unavailable or do not agree on the potential impact of this missense change (SIFT: "Deleterious"; PolyPhen-2: "Probably Damaging"; Align-GVGD: "Class C0"). This variant has not been reported in the literature in individuals affected with ANXA11-related conditions.

NM_145868.2(ANXA11):c.1147C>A (p.Leu383Met)

Gene: ANXA11 (annexin A11; minus strand). Cytogenetic location: 10q22.3.
Variant type: single nucleotide variant.
Coding change: c.1147C>A on transcript NM_145868.2 (MANE Select); coding-DNA position 1147, C replaced by A.
Protein change: p.Leu383Met; replaces leucine 383 with methionine.
Molecular consequence: missense variant.
Genome position (GRCh38, 1-based): chr10:80,161,968, G>T on the plus strand (C>A on the coding strand, the complement: ANXA11 is on the minus strand). VCF-style: chr10-80161968-G-T. GRCh37 (hg19) VCF-style: chr10-81921724-G-T.
Other names: c.1147C>A, p.Leu383Met (NM_001157.3, NM_001278407.2, NM_001278408.2 and 1 more transcripts); c.1048C>A, p.Leu350Met (NM_001278409.2); short protein forms L350M, L383M.
Identifiers: ClinVar variation 2057000 (VCV002057000.4), dbSNP rs2492073337, ClinGen allele CA377365343.
Genomic context (GRCh38, chr10:80,161,968, plus strand): 5'-CCTCTGAGGGACCCCAGCCTGCCTTACCTGCTACCAGGTGGGCCCGGCTCCGGGAGCACA[G>T]AACCGCATTGAACTTGGACTCGTCTGTTCCCAGGCGGTTCTCCCCGGCCGCATACAGCTC-3'
Protein context (NP_665875.1, residues 373-393): GTDESKFNAV[Leu383Met]CSRSRAHLVA